The following is an entry in ClinVar:

NM_000388.4(CASR):c.2311A>G (p.Met771Val)

Gene: CASR (calcium sensing receptor; plus strand). Cytogenetic location: 3q21.1.
Variant type: single nucleotide variant.
Coding change: c.2311A>G on transcript NM_000388.4 (MANE Select); coding-DNA position 2311, A replaced by G.
Protein change: p.Met771Val; replaces methionine 771 with valine.
Molecular consequence: missense variant.
Genome position (GRCh38, 1-based): chr3:122,284,265, A>G. VCF-style: chr3-122284265-A-G. GRCh37 (hg19) VCF-style: chr3-122003112-A-G.
Other names: c.2341A>G, p.Met781Val (NM_001178065.2); short protein forms M771V, M781V.
Identifiers: ClinVar variation 1789438 (VCV001789438.3), dbSNP rs1576877805, ClinGen allele CA354159455.

ClinVar aggregate classification (germline): Uncertain significance. Review status: criteria provided, multiple submitters, no conflicts (2 of 4 stars). 2 submissions from 2 submitters: Uncertain significance (2). Last evaluated 2025-02-11.

Conditions:
Autosomal dominant hypocalcemia 1 (HYPOC1). Also called: HYPOCALCEMIA, FAMILIAL. Identifiers: MedGen C3715128, MONDO:0011013, OMIM 601198.
Familial hypocalciuric hypercalcemia (FHH). Also called: Familial benign hypercalcemia. Identifiers: Orphanet 405, MedGen C1809471, MONDO:0018458.
Nephrolithiasis/nephrocalcinosis. Identifiers: MedGen CN580796.

Submissions (2):

Labcorp Genetics (formerly Invitae), Labcorp
Classification: Uncertain significance for Familial hypocalciuric hypercalcemia; Autosomal dominant hypocalcemia 1. Last evaluated: 2025-02-11. Review status: criteria provided, single submitter. Criteria: Invitae Variant Classification Sherloc (09022015). Collection method: clinical testing. Allele origin: germline.
Comment: This sequence change replaces methionine, which is neutral and non-polar, with valine, which is neutral and non-polar, at codon 771 of the CASR protein (p.Met771Val). This variant is not present in population databases (gnomAD no frequency). This variant has not been reported in the literature in individuals affected with CASR-related conditions. ClinVar contains an entry for this variant (Variation ID: 1789438). An algorithm developed to predict the effect of missense changes on protein structure and function (PolyPhen-2) suggests that this variant is likely to be tolerated. In summary, the available evidence is currently insufficient to determine the role of this variant in disease. Therefore, it has been classified as a Variant of Uncertain Significance.

Ambry Genetics
Classification: Uncertain significance for Nephrolithiasis/nephrocalcinosis. Last evaluated: 2021-09-09. Review status: criteria provided, single submitter. Criteria: Ambry Variant Classification Scheme 2023. Collection method: clinical testing. Allele origin: germline.
Comment: The p.M771V variant (also known as c.2311A>G), located in coding exon 6 of the CASR gene, results from an A to G substitution at nucleotide position 2311. The methionine at codon 771 is replaced by valine, an amino acid with highly similar properties. This amino acid position is conserved. In addition, this alteration is predicted to be deleterious by in silico analysis. Since supporting evidence is limited at this time, the clinical significance of this alteration remains unclear.